The following is an entry in ClinVar:

NM_025137.4(SPG11):c.5110G>T (p.Val1704Phe)

Gene: SPG11 (SPG11 vesicle trafficking associated, spatacsin; minus strand). Cytogenetic location: 15q21.1.
Variant type: single nucleotide variant.
Coding change: c.5110G>T on transcript NM_025137.4 (MANE Select); coding-DNA position 5110, G replaced by T.
Protein change: p.Val1704Phe; replaces valine 1704 with phenylalanine.
Molecular consequence: missense variant.
Genome position (GRCh38, 1-based): chr15:44,585,647, C>A on the plus strand (G>T on the coding strand, the complement: SPG11 is on the minus strand). VCF-style: chr15-44585647-C-A. GRCh37 (hg19) VCF-style: chr15-44877845-C-A.
Other names: c.5110G>T, p.Val1704Phe (NM_001160227.2); short protein forms V1704F.
Identifiers: ClinVar variation 1380269 (VCV001380269.6), dbSNP rs931856984, ClinGen allele CA392223291.

ClinVar aggregate classification (germline): Uncertain significance (1 of 4 stars; one submission).

Conditions:
Hereditary spastic paraplegia 11. Also called: Spastic paraplegia, mental retardation and thin corpus callosum; SPASTIC PARAPLEGIA, AUTOSOMAL RECESSIVE, COMPLICATED, WITH THIN CORPUS CALLOSUM; SPASTIC PARAPLEGIA, AUTOSOMAL RECESSIVE, WITH MENTAL IMPAIRMENT AND THIN CORPUS CALLOSUM; Nakamura Osame syndrome; Autosomal recessive hereditary spastic paraplegia, mental impairment, and thin corpus callosum; Spastic Paraplegia 11. Identifiers: Orphanet 2822, MedGen C1858479, MONDO:0011445, OMIM 604360.

Allele frequency attached by ClinVar (database versions not stated): gnomAD exomes below 0.00001.

Submission:

Labcorp Genetics (formerly Invitae), Labcorp
Classification: Uncertain significance for Hereditary spastic paraplegia 11. Last evaluated: 2021-09-16. Review status: criteria provided, single submitter. Criteria: Invitae Variant Classification Sherloc (09022015). Collection method: clinical testing. Allele origin: germline.
Comment: Algorithms developed to predict the effect of missense changes on protein structure and function are either unavailable or do not agree on the potential impact of this missense change (SIFT: "Deleterious"; PolyPhen-2: "Possibly Damaging"; Align-GVGD: "Class C0"). This sequence change replaces valine with phenylalanine at codon 1704 of the SPG11 protein (p.Val1704Phe). The valine residue is moderately conserved and there is a small physicochemical difference between valine and phenylalanine. This variant is not present in population databases (ExAC no frequency). This variant has not been reported in the literature in individuals affected with SPG11-related conditions. In summary, the available evidence is currently insufficient to determine the role of this variant in disease. Therefore, it has been classified as a Variant of Uncertain Significance.